The following is an entry in ClinVar:

NM_021098.3(CACNA1H):c.538dup (p.Val180fs)

Gene: CACNA1H (calcium voltage-gated channel subunit alpha1 H; plus strand). Cytogenetic location: 16p13.3.
Variant type: Duplication.
Coding change: c.538dup on transcript NM_021098.3 (MANE Select); coding-DNA position 538, one base duplicated (G; older notation c.538dupG).
Protein change: p.Val180fs; shifts the reading frame from valine 180.
Molecular consequence: frameshift variant.
Genome position (GRCh38, 1-based): chr16:1,195,558, G duplicated. VCF-style (leftmost placement, unchanged base first): chr16-1195557-C-CG. GRCh37 (hg19) VCF-style: chr16-1245557-C-CG.
Other names: c.538dup, p.Val180fs (NM_001005407.2); short protein forms V180fs.
Identifiers: ClinVar variation 4784698 (VCV004784698.1).

ClinVar aggregate classification (germline): Uncertain significance (1 of 4 stars; one submission).

Conditions:
Hyperaldosteronism, familial, type IV (HALD4). Also called: FH IV; ALDOSTERONISM, PRIMARY, AND HYPERTENSION. Identifiers: Orphanet 642671, MedGen C4310756, MONDO:0014875, OMIM 617027.
Idiopathic generalized epilepsy. Also called: EIG; Generalised epilepsy. Identifiers: MedGen C0270850, MONDO:0005579, OMIM 600669.

Submission:

Labcorp Genetics (formerly Invitae), Labcorp
Classification: Uncertain significance for Idiopathic generalized epilepsy; Hyperaldosteronism, familial, type IV. Last evaluated: 2025-04-13. Review status: criteria provided, single submitter. Criteria: Invitae Variant Classification Sherloc (09022015). Collection method: clinical testing. Allele origin: germline.
Comment: This sequence change creates a premature translational stop signal (p.Val180Glyfs*36) in the CACNA1H gene. It is expected to result in an absent or disrupted protein product. However, the current clinical and genetic evidence is not sufficient to establish whether loss-of-function variants in CACNA1H cause disease. This variant is not present in population databases (gnomAD no frequency). This variant has not been reported in the literature in individuals affected with CACNA1H-related conditions. In summary, the available evidence is currently insufficient to determine the role of this variant in disease. Therefore, it has been classified as a Variant of Uncertain Significance.